The following is an entry in ClinVar:

NM_024537.4(CARS2):c.1538G>A (p.Arg513Gln)

Gene: CARS2 (cysteinyl-tRNA synthetase 2, mitochondrial; minus strand). Cytogenetic location: 13q34.
Variant type: single nucleotide variant.
Coding change: c.1538G>A on transcript NM_024537.4 (MANE Select); coding-DNA position 1538, G replaced by A.
Protein change: p.Arg513Gln; replaces arginine 513 with glutamine.
Molecular consequence: missense variant. On other transcripts: non-coding transcript variant (2).
Genome position (GRCh38, 1-based): chr13:110,642,400, C>T on the plus strand (G>A on the coding strand, the complement: CARS2 is on the minus strand). VCF-style: chr13-110642400-C-T. GRCh37 (hg19) VCF-style: chr13-111294747-C-T.
Other names: c.752G>A, p.Arg251Gln (NM_001352252.2); short protein forms R513Q, R251Q.
Identifiers: ClinVar variation 851631 (VCV000851631.9), dbSNP rs138022576, ClinGen allele CA7051612.

ClinVar aggregate classification (germline): Conflicting classifications of pathogenicity. Review status: criteria provided, conflicting classifications (1 of 4 stars). 3 submissions from 3 submitters: Uncertain significance (2); Likely benign (1). Last evaluated 2026-01-13.

Conditions:
Combined oxidative phosphorylation defect type 27. Also called: Combined oxidative phosphorylation deficiency 27. Identifiers: Orphanet 477774, MedGen C5567608, MONDO:0014728, OMIM 616672.

Allele frequency attached by ClinVar (database versions not stated): gnomAD exomes 0.00011 and 0.00018; ExAC 0.00050; ESP Exome Variant Server 0.00054; TOPMed 0.00055; gnomAD 0.00060; 1000 Genomes Project 0.00080; 1000 Genomes Project 30x 0.00094.

Submissions (3):

GeneDx
Classification: Uncertain significance. Last evaluated: 2026-01-13. Review status: criteria provided, single submitter. Criteria: GeneDx Variant Classification Process June 2021. Collection method: clinical testing. Allele origin: germline. Affected: yes.
Comment: In silico analysis suggests that this missense variant does not alter protein structure/function; Has not been previously published as pathogenic or benign to our knowledge

Labcorp Genetics (formerly Invitae), Labcorp
Classification: Uncertain significance for Combined oxidative phosphorylation defect type 27. Last evaluated: 2025-02-03. Review status: criteria provided, single submitter. Criteria: Invitae Variant Classification Sherloc (09022015). Collection method: clinical testing. Allele origin: germline.
Comment: This sequence change replaces arginine, which is basic and polar, with glutamine, which is neutral and polar, at codon 513 of the CARS2 protein (p.Arg513Gln). This variant is present in population databases (rs138022576, gnomAD 0.1%). This variant has not been reported in the literature in individuals affected with CARS2-related conditions. ClinVar contains an entry for this variant (Variation ID: 851631). An algorithm developed to predict the effect of missense changes on protein structure and function outputs the following: PolyPhen-2: "Benign". The glutamine amino acid residue is found in multiple mammalian species, which suggests that this missense change does not adversely affect protein function. In summary, the available evidence is currently insufficient to determine the role of this variant in disease. Therefore, it has been classified as a Variant of Uncertain Significance.

Blueprint Genetics
Classification: Likely benign. Last evaluated: 2024-06-26. Review status: criteria provided, single submitter. Criteria: ACMG Guidelines, 2015. Collection method: clinical testing. Allele origin: germline.